The following is an entry in ClinVar:

NM_006302.3(MOGS):c.634_635del (p.Asp212fs)

Gene: MOGS (mannosyl-oligosaccharide glucosidase; minus strand). Cytogenetic location: 2p13.1.
Variant type: Deletion.
Coding change: c.634_635del on transcript NM_006302.3 (MANE Select); coding-DNA positions 634 to 635, 2 bases deleted (GA; older notation c.634_635delGA).
Protein change: p.Asp212fs; shifts the reading frame from aspartic acid 212.
Molecular consequence: frameshift variant.
Genome position (GRCh38, 1-based): chr2:74,463,331-74,463,332, TC deleted on the plus strand (GA on the coding strand, the reverse complement: MOGS is on the minus strand); deleting any 2 consecutive bases within chr2:74,463,331-74,463,333 gives the same sequence; the c. name uses the placement nearest the transcript's 3' end. VCF-style (leftmost placement, unchanged base first): chr2-74463330-ATC-A. GRCh37 (hg19) VCF-style: chr2-74690457-ATC-A.
Other names: c.316_317del, p.Asp106fs (NM_001146158.2); short protein forms D106fs, D212fs.
Identifiers: ClinVar variation 4729233 (VCV004729233.1).
Genomic context (GRCh38, chr2:74,463,330, plus strand): 5'-CCCACTGATAAACTTCAACTGCCCCTTGGCCCCAACCTCTGGTAGTAGGACTTCCTTGCC[ATC>A]TGTCACCACATAGAAGAACAGGGAGACCAAAGGGAGGGCAGAAGTACCTGAGTCCTGAGT-3'

ClinVar aggregate classification (germline): Pathogenic (1 of 4 stars; one submission).

Conditions:
MOGS-congenital disorder of glycosylation. Also called: MOGS-CDG; CDG 2B; CDG IIb; GLUCOSIDASE I DEFICIENCY. Identifiers: Orphanet 79330, MedGen C1853736, MONDO:0011629, OMIM 606056.

Submission:

Labcorp Genetics (formerly Invitae), Labcorp
Classification: Pathogenic for MOGS-congenital disorder of glycosylation. Last evaluated: 2025-10-14. Review status: criteria provided, single submitter. Criteria: Invitae Variant Classification Sherloc (09022015). Collection method: clinical testing. Allele origin: germline.
Comment: This sequence change creates a premature translational stop signal (p.Asp212Trpfs*24) in the MOGS gene. It is expected to result in an absent or disrupted protein product. Loss-of-function variants in MOGS are known to be pathogenic (PMID: 24716661, 26805780). This variant is not present in population databases (gnomAD no frequency). This variant has not been reported in the literature in individuals affected with MOGS-related conditions. Algorithms developed to predict the effect of sequence changes on RNA splicing suggest that this variant may disrupt the consensus splice site. For these reasons, this variant has been classified as Pathogenic.

Literature cited by the submitters: PubMed 24716661; PubMed 26805780.